The following is an entry in ClinVar:

ClinVar aggregate classification (germline): Pathogenic. Review status: reviewed by expert panel (3 of 4 stars). 5 submissions from 5 submitters: Pathogenic (1). 4 of the submissions do not count toward it. Last evaluated 2024-12-03.

Conditions:
Hereditary cancer-predisposing syndrome. Also called: Neoplastic Syndromes, Hereditary; Hereditary neoplastic syndrome; Tumor predisposition; Hereditary Cancer Syndrome. Identifiers: Orphanet 140162, MedGen C0027672, MeSH D009386, MONDO:0015356.
Cardiovascular phenotype. Identifiers: MedGen CN230736.
RASopathy. Also called: rasopathies; Noonan spectrum disorder. Identifiers: Orphanet 536391, MedGen C5555857, MONDO:0021060.
Noonan syndrome 2 (NS2). Identifiers: Orphanet 648, MedGen C1854469, MONDO:0011531, OMIM 605275.

gnomAD v4.1: 2 of 1,613,354 alleles (0.00012%); highest among the groups gnomAD compares: Admixed American, 0.0017%; no homozygotes.

Submissions (5):

ClinGen RASopathy Variant Curation Expert Panel
Classification: Pathogenic for RASopathy. Last evaluated: 2024-12-03. Review status: reviewed by expert panel. Criteria: ClinGen RASopathy ACMG Specifications LZTR1 V1.3.0. Collection method: curation. Allele origin: germline. Inheritance: Autosomal recessive inheritance.
Comment: The c.2178C>A (p.Tyr726Ter) variant in LZTR1 is a nonsense variant predicted to cause a premature stop codon in biologically-relevant-exon 18/21 is predicted to lead to nonsense mediated decay in a gene in which loss-of-function is an established disease mechanism (PVS1). The filtering allele frequency (the upper threshold of the 95% CI of 1/34568) of the c.2178C>A variant in LZTR1 is 0 for Admixed American chromosomes by gnomAD v2.1.1, which is lower than the ClinGen RASopathy VCEP threshold (≤0.000025) for PM2_Supporting, and therefore meets this criterion (PM2_Supporting). They were compound heterozygous for the variant and a pathogenic or likely pathogenic variant and was confirmed in trans by family testing (c.1943-256C>T, 1 PM3 point, PMID:29469822) (PM3). In summary, this variant meets the criteria to be classified as pathogenic for autosomal recessive RASopathy based on the ACMG/AMP criteria applied, as specified by the ClinGen RASopathy VCEP: PVS1, PM3, PM2_Supporting. (ClinGen RASopathy VCEP specifications version 1.3; 12/3/2024)

Labcorp Genetics (formerly Invitae), Labcorp
Classification: Pathogenic. Last evaluated: 2024-10-16. Review status: criteria provided, single submitter. Criteria: Invitae Variant Classification Sherloc (09022015). Collection method: clinical testing. Allele origin: germline. Not counted in ClinVar's aggregate classification.
Comment: This sequence change creates a premature translational stop signal (p.Tyr726*) in the LZTR1 gene. It is expected to result in an absent or disrupted protein product. Loss-of-function variants in LZTR1 are known to be pathogenic (PMID: 24362817, 25335493, 25480913, 25795793, 29469822, 30368668, 30442762, 30442766, 30481304, 30859559). This variant is present in population databases (no rsID available, gnomAD 0.003%). This premature translational stop signal has been observed in individual(s) with autosomal recessive Noonan syndrome (PMID: 29469822). In at least one individual the data is consistent with being in trans (on the opposite chromosome) from a pathogenic variant. It has also been observed to segregate with disease in related individuals. ClinVar contains an entry for this variant (Variation ID: 522799). Algorithms developed to predict the effect of variants on gene product structure and function are not available or were not evaluated for this variant. Experimental studies have shown that this premature translational stop signal affects LZTR1 function (PMID: 30442762). For these reasons, this variant has been classified as Pathogenic.

GeneDx
Classification: Pathogenic. Last evaluated: 2024-06-14. Review status: criteria provided, single submitter. Criteria: GeneDx Variant Classification Process June 2021. Collection method: clinical testing. Allele origin: germline. Affected: yes. Not counted in ClinVar's aggregate classification.
Comment: Nonsense variant predicted to result in protein truncation or nonsense mediated decay in a gene for which loss of function is a known mechanism of disease; Not observed at significant frequency in large population cohorts (gnomAD); This variant is associated with the following publications: (PMID: 30442762, 29469822)

Ambry Genetics
Classification: Pathogenic for Cardiovascular phenotype; Hereditary cancer-predisposing syndrome. Last evaluated: 2022-12-14. Review status: criteria provided, single submitter. Criteria: Ambry Variant Classification Scheme 2023. Collection method: clinical testing. Allele origin: germline. Not counted in ClinVar's aggregate classification.
Comment: The p.Y726* pathogenic mutation (also known as c.2178C>A), located in coding exon 18 of the LZTR1 gene, results from a C to A substitution at nucleotide position 2178. This changes the amino acid from a tyrosine to a stop codon within coding exon 18. This mutation was confirmed in trans with another LZTR1 pathogenic mutation in siblings with Noonan syndrome phenotype (Johnston JJ et al. Genet Med, 2018 Oct;20:1175-1185) and has been identified in at least one individual with schwannoma(s) (Ambry internal data). This alteration is expected to result in loss of function by premature protein truncation or nonsense-mediated mRNA decay. Loss-of-function variants in LZTR1 are related to an increased risk for schwannomas and autosomal recessive Noonan syndrome; however, such associations with autosomal dominant Noonan syndrome have not been observed (Piotrowski A et al. Nat Genet. 2014 Feb;46:182-7; Yamamoto GL et al. J Med Genet. 2015 Jun;52:413-21; Johnston JJ et al. Genet Med. 2018 10;20:1175-1185). Based on the supporting evidence, this variant is pathogenic for an increased risk of LZTR1-related schwannomatosis (SWN) and would be expected to cause autosomal recessive Noonan syndrome when present along with a second pathogenic or likely pathogenic variant on the other allele; however, the association of this alteration with autosomal dominant Noonan syndrome is unlikely.

Undiagnosed Diseases Network, NIH
Classification: Pathogenic for Noonan syndrome 2. Last evaluated: 2017-05-01. Review status: criteria provided, single submitter. Criteria: ACMG Guidelines, 2015. Collection method: clinical testing. Allele origin: paternal. Inheritance: Autosomal recessive inheritance. Affected: yes. Observed: 2 variant alleles, 2 compound heterozygotes. Clinical features observed: Superior pectus carinatum (HP:0000917), Short stature (HP:0004322), Short philtrum (HP:0000322), Pulmonic stenosis (HP:0001642), Pulmonary artery dilatation (HP:0004927), Prolonged neonatal jaundice (HP:0006579), Premature birth following premature rupture of fetal membranes (HP:0005100), Premature birth (HP:0001622), Posteriorly rotated ears (HP:0000358), Poor suck (HP:0002033), Polyhydramnios (HP:0001561), Neonatal respiratory distress (HP:0002643), and 20 more. Study: Undiagnosed Diseases Network (NIH), UDN. Not counted in ClinVar's aggregate classification.
Comment: This family has been reported in PMID:29469822.

Literature cited by the submitters: PubMed 24362817 (cited by Labcorp Genetics (formerly Invitae), Labcorp); PubMed 25335493 (cited by Labcorp Genetics (formerly Invitae), Labcorp); PubMed 25480913 (cited by Labcorp Genetics (formerly Invitae), Labcorp); PubMed 25795793 (cited by Labcorp Genetics (formerly Invitae), Labcorp); PubMed 29469822 (cited by Labcorp Genetics (formerly Invitae), Labcorp and Undiagnosed Diseases Network, NIH); PubMed 30368668 (cited by Labcorp Genetics (formerly Invitae), Labcorp); PubMed 30442762 (cited by Labcorp Genetics (formerly Invitae), Labcorp); PubMed 30442766 (cited by Labcorp Genetics (formerly Invitae), Labcorp); PubMed 30481304 (cited by Labcorp Genetics (formerly Invitae), Labcorp); PubMed 30859559 (cited by Labcorp Genetics (formerly Invitae), Labcorp).

NM_006767.4(LZTR1):c.2178C>A (p.Tyr726Ter)

Gene: LZTR1 (leucine zipper like post translational regulator 1; plus strand). Cytogenetic location: 22q11.21.
Variant type: single nucleotide variant.
Coding change: c.2178C>A on transcript NM_006767.4 (MANE Select); coding-DNA position 2178, C replaced by A.
Protein change: p.Tyr726Ter; replaces tyrosine 726 with a stop codon.
Molecular consequence: nonsense.
Genome position (GRCh38, 1-based): chr22:20,996,071, C>A. VCF-style: chr22-20996071-C-A. GRCh37 (hg19) VCF-style: chr22-21350360-C-A.
Other names: NM_006767.4(LZTR1):c.2178C>A; p.Tyr726Ter; short protein forms Y726*.
Identifiers: ClinVar variation 522799 (VCV000522799.11), dbSNP rs1034395178, ClinGen allele CA410779953.